The following is an entry in ClinVar:

NM_001041.4(SI):c.2074C>T (p.Arg692Cys)

Gene: SI (sucrase-isomaltase; minus strand). Cytogenetic location: 3q26.1.
Variant type: single nucleotide variant.
Coding change: c.2074C>T on transcript NM_001041.4 (MANE Select); coding-DNA position 2074, C replaced by T.
Protein change: p.Arg692Cys; replaces arginine 692 with cysteine.
Molecular consequence: missense variant.
Genome position (GRCh38, 1-based): chr3:165,041,025, G>A on the plus strand (C>T on the coding strand, the complement: SI is on the minus strand). VCF-style: chr3-165041025-G-A. GRCh37 (hg19) VCF-style: chr3-164758813-G-A.
Other names: short protein forms R692C.
Identifiers: ClinVar variation 1334587 (VCV001334587.5), dbSNP rs371618948, ClinGen allele CA2690845.

ClinVar aggregate classification (germline): Uncertain significance. Review status: criteria provided, multiple submitters, no conflicts (2 of 4 stars). 2 submissions from 2 submitters: Uncertain significance (2). Last evaluated 2021-10-27.

Conditions:
Sucrase-isomaltase deficiency (CSID). Also called: Congenital sucrose isomaltose malabsorption; Sucrose isomaltose enzyme deficiency; Deficiency of isomaltase; SI DEFICIENCY. Identifiers: Orphanet 35122, MedGen C1283620, MONDO:0009114, OMIM 222900.

Allele frequency attached by ClinVar (database versions not stated): gnomAD exomes 0.00001 and 0.00004; ExAC 0.00002; gnomAD 0.00005 and 0.00006; TOPMed 0.00005; ESP Exome Variant Server 0.00015.
gnomAD v4.1: 65 of 1,612,084 alleles (0.004%); highest among the groups gnomAD compares: African/African-American, 0.0067%; no homozygotes.

Submissions (2):

Fulgent Genetics
Classification: Uncertain significance for Sucrase-isomaltase deficiency. Last evaluated: 2021-10-27. Review status: criteria provided, single submitter. Criteria: ACMG Guidelines, 2015. Collection method: clinical testing. Allele origin: unknown.

Greenwood Genetic Center Diagnostic Laboratories, Greenwood Genetic Center
Classification: Uncertain significance. Last evaluated: 2021-10-04. Review status: criteria provided, single submitter. Criteria: ACMG Guidelines, 2015. Collection method: clinical testing. Allele origin: germline. Affected: yes.
Comment: PM2